The following is an entry in ClinVar:

ClinVar aggregate classification (germline): Uncertain significance (1 of 4 stars; one submission).

Conditions:
F9-related disorder. Also called: F9-related condition.

Submission:

PreventionGenetics, part of Exact Sciences
Classification: Uncertain significance for F9-related condition. Last evaluated: 2025-09-09. Review status: criteria provided, single submitter. Criteria: ACMG Guidelines, 2015. Collection method: clinical testing. Allele origin: germline.
Comment: The F9 c.1228G>T variant is predicted to result in the amino acid substitution p.Asp410Tyr. This variant was reported in an individual with hemophilia B (described as 31211G>T, D364Y, Li et al. 2000. PubMed ID: 11013449). This variant has not been reported in a large population database (gnomAD), indicating this variant is rare. At this time, the clinical significance of this variant is uncertain due to the absence of conclusive functional and genetic evidence.

NM_000133.4(F9):c.1228G>T (p.Asp410Tyr)

Gene: F9 (coagulation factor IX; plus strand). Cytogenetic location: Xq27.1.
Variant type: single nucleotide variant.
Coding change: c.1228G>T on transcript NM_000133.4 (MANE Select); coding-DNA position 1228, G replaced by T.
Protein change: p.Asp410Tyr; replaces aspartic acid 410 with tyrosine.
Molecular consequence: missense variant.
Genome position (GRCh38, 1-based): chrX:139,561,913, G>T. VCF-style: chrX-139561913-G-T. GRCh37 (hg19) VCF-style: chrX-138644072-G-T.
Other names: c.1114G>T, p.Asp372Tyr (NM_001313913.2); short protein forms D372Y, D410Y.
Identifiers: ClinVar variation 4991327 (VCV004991327.1).